The following is an entry in ClinVar:

ClinVar aggregate classification (germline): Conflicting classifications of pathogenicity. Review status: criteria provided, conflicting classifications (1 of 4 stars). 3 submissions from 3 submitters: Uncertain significance (2); Likely benign (1). Last evaluated 2026-06-04.

Conditions:
ADAMTS13-related disorder. Also called: ADAMTS13-related condition.
Upshaw-Schulman syndrome (TTP). Also called: Congenital thrombotic thrombocytopenic purpura; THROMBOTIC THROMBOCYTOPENIC PURPURA, HEREDITARY. Identifiers: Orphanet 93583, MedGen C1268935, MONDO:0010122, OMIM 274150.

Allele frequency attached by ClinVar (database versions not stated): ExAC 0.00007; gnomAD 0.00023; TOPMed 0.00039; ESP Exome Variant Server 0.00054.
gnomAD v4.1: 210 of 1,613,148 alleles (0.013%); highest among the groups gnomAD compares: African/African-American, 0.073%; no homozygotes.

Submissions (3):

PreventionGenetics, part of Exact Sciences
Classification: Uncertain significance for ADAMTS13-related condition. Last evaluated: 2026-06-04. Review status: criteria provided, single submitter. Criteria: ACMG Guidelines, 2015. Collection method: clinical testing. Allele origin: germline.
Comment: The ADAMTS13 c.583G>A variant is predicted to result in the amino acid substitution p.Val195Ile. To our knowledge, this variant has not been reported in the literature. This variant is reported in 0.060% of alleles in individuals of African descent in gnomAD. Although we suspect that this variant may be benign, at this time, the clinical significance of this variant is uncertain due to the absence of conclusive functional and genetic evidence.

Labcorp Genetics (formerly Invitae), Labcorp
Classification: Likely benign. Last evaluated: 2025-12-10. Review status: criteria provided, single submitter. Criteria: Invitae Variant Classification Sherloc (09022015). Collection method: clinical testing. Allele origin: germline.

Fulgent Genetics
Classification: Uncertain significance for Upshaw-Schulman syndrome. Last evaluated: 2024-01-29. Review status: criteria provided, single submitter. Criteria: ACMG Guidelines, 2015. Collection method: clinical testing. Allele origin: germline.

NM_139027.6(ADAMTS13):c.583G>A (p.Val195Ile)

Gene: ADAMTS13 (ADAM metallopeptidase with thrombospondin type 1 motif 13; plus strand). Cytogenetic location: 9q34.2.
Variant type: single nucleotide variant.
Coding change: c.583G>A on transcript NM_139027.6 (MANE Select); coding-DNA position 583, G replaced by A.
Protein change: p.Val195Ile; replaces valine 195 with isoleucine.
Molecular consequence: missense variant. On other transcripts: non-coding transcript variant (1).
Genome position (GRCh38, 1-based): chr9:133,426,242, G>A. VCF-style: chr9-133426242-G-A. GRCh37 (hg19) VCF-style: chr9-136291362-G-A.
Other names: c.583G>A, p.Val195Ile (NM_139025.5, NM_139026.6); short protein forms V195I.
Identifiers: ClinVar variation 2061171 (VCV002061171.6), dbSNP rs138489501, ClinGen allele CA200922231.